The following is an entry in ClinVar:

ClinVar aggregate classification (germline): Likely benign (1 of 4 stars; one submission).

Submission:

CeGaT Center for Human Genetics Tuebingen
Classification: Likely benign. Last evaluated: 2025-09-01. Review status: criteria provided, single submitter. Criteria: CeGaT Center For Human Genetics Tuebingen Variant Classification Criteria Version 2. Collection method: clinical testing. Allele origin: germline. Affected: yes. Observed: 1 variant allele.
Comment: SH3BP4: PM2:Supporting, BP4, BP7

NM_014521.3(SH3BP4):c.684A>G (p.Ala228=)

Gene: SH3BP4 (SH3 domain binding protein 4; plus strand). Cytogenetic location: 2q37.2.
Variant type: single nucleotide variant.
Coding change: c.684A>G on transcript NM_014521.3 (MANE Select); coding-DNA position 684, A replaced by G.
Protein change: p.Ala228=; no amino-acid change (alanine 228 retained).
Molecular consequence: synonymous variant.
Genome position (GRCh38, 1-based): chr2:235,041,453, A>G. VCF-style: chr2-235041453-A-G. GRCh37 (hg19) VCF-style: chr2-235950097-A-G.
Other names: c.684A>G, p.Ala228= (NM_001371302.1, NM_001371303.1, NM_001371304.1 and 2 more transcripts).
Identifiers: ClinVar variation 4281257 (VCV004281257.7).